The following is an entry in ClinVar:

NM_012111.3(AHSA1):c.398T>C (p.Val133Ala)

Gene: AHSA1 (activator of HSP90 ATPase activity 1; plus strand). Cytogenetic location: 14q24.3.
Variant type: single nucleotide variant.
Coding change: c.398T>C on transcript NM_012111.3 (MANE Select); coding-DNA position 398, T replaced by C.
Protein change: p.Val133Ala; replaces valine 133 with alanine.
Molecular consequence: missense variant. On other transcripts: 5 prime UTR variant (1).
Genome position (GRCh38, 1-based): chr14:77,462,685, T>C. VCF-style: chr14-77462685-T-C. GRCh37 (hg19) VCF-style: chr14-77929028-T-C.
Other names: p.Val133Ala; c.-8T>C (NM_001321441.2); short protein forms V133A.
Identifiers: ClinVar variation 790280 (VCV000790280.6), dbSNP rs61755658, ClinGen allele CA7288353.

ClinVar aggregate classification (germline): Likely benign. Review status: criteria provided, multiple submitters, no conflicts (2 of 4 stars). 3 submissions from 3 submitters: Likely benign (3). Last evaluated 2025-08-01.

Allele frequency attached by ClinVar (database versions not stated): 1000 Genomes Project 0.00240; ExAC 0.00322; TOPMed 0.00374; gnomAD 0.00420 and 0.00412; 1000 Genomes Project 30x 0.00281; ESP Exome Variant Server 0.00523; gnomAD exomes 0.00644 and 0.00346.
gnomAD v4.1: 9,991 of 1,614,156 alleles (0.62%); highest among the groups gnomAD compares: Non-Finnish European, 0.78%; 35 homozygotes.

Submissions (3):

Mayo Clinic Laboratories, Mayo Clinic
Classification: Likely benign. Last evaluated: 2025-08-01. Review status: criteria provided, single submitter. Criteria: ACMG Guidelines, 2015. Collection method: clinical testing. Allele origin: germline. Observed: 4 variant alleles.
Comment: BS2, BP4

Labcorp Genetics (formerly Invitae), Labcorp
Classification: Likely benign. Last evaluated: 2019-12-31. Review status: criteria provided, single submitter. Criteria: Invitae Variant Classification Sherloc (09022015). Collection method: clinical testing. Allele origin: germline.

Breakthrough Genomics
Classification: Likely benign. Review status: criteria provided, single submitter. Criteria: ACMG Guidelines, 2015. Collection method: not provided. Allele origin: germline. Inheritance: Unknown mechanism. Affected: yes.